The following is an entry in ClinVar:

NM_004963.4(GUCY2C):c.2564G>C (p.Ser855Thr)

Gene: GUCY2C (guanylate cyclase 2C; minus strand). Cytogenetic location: 12p12.3.
Variant type: single nucleotide variant.
Coding change: c.2564G>C on transcript NM_004963.4 (MANE Select); coding-DNA position 2564, G replaced by C.
Protein change: p.Ser855Thr; replaces serine 855 with threonine.
Molecular consequence: missense variant.
Genome position (GRCh38, 1-based): chr12:14,622,042, C>G on the plus strand (G>C on the coding strand, the complement: GUCY2C is on the minus strand). VCF-style: chr12-14622042-C-G. GRCh37 (hg19) VCF-style: chr12-14774976-C-G.
Other names: c.2564G>C (NM_004963.3); short protein forms S855T.
Identifiers: ClinVar variation 1018581 (VCV001018581.11), dbSNP rs779095472, ClinGen allele CA383994977.
Genomic context (GRCh38, chr12:14,622,042, plus strand): 5'-AGCCTGTTAGGTGATGTGGTTACCTTGTAGACATCATGATGATCAACAATGTGGTCAAAA[C>G]TCTTATAGATGTCATTAAGCATGTCCACCACTTCCATGGGGGTGCTGTATTTGCAGATAG-3'
Protein context (NP_004954.2, residues 845-865): VVDMLNDIYK[Ser855Thr]FDHIVDHHDV

ClinVar aggregate classification (germline): Uncertain significance. Review status: criteria provided, multiple submitters, no conflicts (2 of 4 stars). 2 submissions from 2 submitters: Uncertain significance (2). Last evaluated 2025-09-04.

Conditions:
Inborn genetic diseases. Identifiers: MedGen C0950123, MeSH D030342.

Allele frequency attached by ClinVar (database versions not stated): gnomAD 0.00003 and 0.00004; TOPMed 0.00008.
gnomAD v4.1: 15 of 1,608,778 alleles (0.00093%); highest among the groups gnomAD compares: African/African-American, 0.0054%; no homozygotes.

Submissions (2):

Labcorp Genetics (formerly Invitae), Labcorp
Classification: Uncertain significance. Last evaluated: 2025-09-04. Review status: criteria provided, single submitter. Criteria: Invitae Variant Classification Sherloc (09022015). Collection method: clinical testing. Allele origin: germline.
Comment: This sequence change replaces serine, which is neutral and polar, with threonine, which is neutral and polar, at codon 855 of the GUCY2C protein (p.Ser855Thr). This variant is present in population databases (no rsID available, gnomAD 0.0009%). This variant has not been reported in the literature in individuals affected with GUCY2C-related conditions. ClinVar contains an entry for this variant (Variation ID: 1018581). Invitae Evidence Modeling of protein sequence and biophysical properties (such as structural, functional, and spatial information, amino acid conservation, physicochemical variation, residue mobility, and thermodynamic stability) indicates that this missense variant is not expected to disrupt GUCY2C protein function with a negative predictive value of 80%. In summary, the available evidence is currently insufficient to determine the role of this variant in disease. Therefore, it has been classified as a Variant of Uncertain Significance.

Ambry Genetics
Classification: Uncertain significance for Inborn genetic diseases. Last evaluated: 2025-08-04. Review status: criteria provided, single submitter. Criteria: Ambry Variant Classification Scheme 2023. Collection method: clinical testing. Allele origin: germline.